The following is an entry in ClinVar:

ClinVar aggregate classification (germline): Uncertain significance. Review status: criteria provided, multiple submitters, no conflicts (2 of 4 stars). 3 submissions from 3 submitters: Uncertain significance (3). Last evaluated 2025-02-05.

Conditions:
Neutropenia, severe congenital, 1, autosomal dominant. Identifiers: MedGen C1859966, MONDO:0042490, OMIM 202700.
Cyclical neutropenia. Also called: Cyclic hematopoiesis; Cyclic Neutropenia. Identifiers: Orphanet 2686, MedGen C0221023, MONDO:0008090, OMIM 162800, HP:0040289. Disease mechanism: loss of function.
Inborn genetic diseases. Identifiers: MedGen C0950123, MeSH D030342.

Submissions (3):

St. Jude Molecular Pathology, St. Jude Children's Research Hospital
Classification: Uncertain significance for Neutropenia, severe congenital, 1, autosomal dominant. Last evaluated: 2025-02-05. Review status: criteria provided, single submitter. Criteria: St. Jude Assertion Criteria 2020. Collection method: clinical testing. Allele origin: germline.
Comment: The ELANE c.788C>A (p.Ala263Asp) missense change is absent in gnomAD v2.1.1. The in silico tool REVEL is inconclusive about a pathogenic or benign effect of this variant on protein function, and to our knowledge functional studies have not been performed. To our knowledge, this variant has not been reported in individuals with congenital neutropenia. In summary, the evidence currently available is insufficient to determine the clinical significance of this variant. It has therefore been classified as of uncertain significance.

Ambry Genetics
Classification: Uncertain significance for Inborn genetic diseases. Last evaluated: 2025-01-05. Review status: criteria provided, single submitter. Criteria: Ambry Variant Classification Scheme 2023. Collection method: clinical testing. Allele origin: germline.
Comment: The p.A263D variant (also known as c.788C>A), located in coding exon 5 of the ELANE gene, results from a C to A substitution at nucleotide position 788. The alanine at codon 263 is replaced by aspartic acid, an amino acid with dissimilar properties. This amino acid position is conserved. In addition, this alteration is predicted to be tolerated by in silico analysis. Based on the available evidence, the clinical significance of this variant remains unclear.

Labcorp Genetics (formerly Invitae), Labcorp
Classification: Uncertain significance for Neutropenia, severe congenital, 1, autosomal dominant; Cyclical neutropenia. Last evaluated: 2024-12-07. Review status: criteria provided, single submitter. Criteria: Invitae Variant Classification Sherloc (09022015). Collection method: clinical testing. Allele origin: germline.
Comment: This sequence change replaces alanine, which is neutral and non-polar, with aspartic acid, which is acidic and polar, at codon 263 of the ELANE protein (p.Ala263Asp). This variant is not present in population databases (gnomAD no frequency). This variant has not been reported in the literature in individuals affected with ELANE-related conditions. Invitae Evidence Modeling of protein sequence and biophysical properties (such as structural, functional, and spatial information, amino acid conservation, physicochemical variation, residue mobility, and thermodynamic stability) has been performed for this missense variant. However, the output from this modeling did not meet the statistical confidence thresholds required to predict the impact of this variant on ELANE protein function. In summary, the available evidence is currently insufficient to determine the role of this variant in disease. Therefore, it has been classified as a Variant of Uncertain Significance.

NM_001972.4(ELANE):c.788C>A (p.Ala263Asp)

Gene: ELANE (elastase, neutrophil expressed; plus strand). Cytogenetic location: 19p13.3.
Variant type: single nucleotide variant.
Coding change: c.788C>A on transcript NM_001972.4 (MANE Select); coding-DNA position 788, C replaced by A.
Protein change: p.Ala263Asp; replaces alanine 263 with aspartic acid.
Molecular consequence: missense variant.
Genome position (GRCh38, 1-based): chr19:856,148, C>A. VCF-style: chr19-856148-C-A. GRCh37 (hg19) VCF-style: chr19-856148-C-A.
Other names: short protein forms A263D.
Identifiers: ClinVar variation 3602647 (VCV003602647.4).